The following is an entry in ClinVar:

NM_006623.4(PHGDH):c.56G>T (p.Cys19Phe)

Gene: PHGDH (phosphoglycerate dehydrogenase; plus strand). Cytogenetic location: 1p12.
Variant type: single nucleotide variant.
Coding change: c.56G>T on transcript NM_006623.4 (MANE Select); coding-DNA position 56, G replaced by T.
Protein change: p.Cys19Phe; replaces cysteine 19 with phenylalanine.
Molecular consequence: missense variant.
Genome position (GRCh38, 1-based): chr1:119,712,078, G>T. VCF-style: chr1-119712078-G-T. GRCh37 (hg19) VCF-style: chr1-120254701-G-T.
Other names: short protein forms C19F.
Identifiers: ClinVar variation 4056057 (VCV004056057.1).

ClinVar aggregate classification (germline): Uncertain significance (1 of 4 stars; one submission).

gnomAD v4.1: 2 of 1,614,038 alleles (0.00012%); highest among the groups gnomAD compares: African/African-American, 0.0027%; no homozygotes.

Submission:

GeneDx
Classification: Uncertain significance. Last evaluated: 2025-01-07. Review status: criteria provided, single submitter. Criteria: GeneDx Variant Classification Process June 2021. Collection method: clinical testing. Allele origin: germline. Affected: yes.
Comment: Not observed at significant frequency in large population cohorts (gnomAD); In silico analysis supports that this missense variant has a deleterious effect on protein structure/function; Has not been previously published as pathogenic or benign to our knowledge